The following is an entry in ClinVar:

ClinVar aggregate classification (germline): Likely pathogenic (1 of 4 stars; one submission).

Conditions:
Nemaline myopathy 2 (NEM2). Also called: Nemaline myopathy 2, autosomal recessive. Identifiers: MedGen C1850569, MONDO:0009725, OMIM 256030.

Submission:

Labcorp Genetics (formerly Invitae), Labcorp
Classification: Likely pathogenic for Nemaline myopathy 2. Last evaluated: 2020-03-18. Review status: criteria provided, single submitter. Criteria: Invitae Variant Classification Sherloc (09022015). Collection method: clinical testing. Allele origin: germline.
Comment: Algorithms developed to predict the effect of sequence changes on RNA splicing suggest that this variant may disrupt the consensus splice site, but this prediction has not been confirmed by published transcriptional studies. Donor and acceptor splice site variants typically lead to a loss of protein function (PMID: 16199547), and loss-of-function variants in NEB are known to be pathogenic (PMID: 25205138). In summary, the currently available evidence indicates that the variant is pathogenic, but additional data are needed to prove that conclusively. Therefore, this variant has been classified as Likely Pathogenic. This variant is not present in population databases (ExAC no frequency). This variant has not been reported in the literature in individuals with NEB-related conditions. This sequence change affects an acceptor splice site in intron 170 of the NEB gene. It is expected to disrupt RNA splicing and likely results in an absent or disrupted protein product.

Literature cited by the submitters: PubMed 16199547; PubMed 25205138.

NM_001164508.2(NEB):c.24115-2A>G

Genes: NEB (nebulin; minus strand), RIF1 (replication timing regulatory factor 1; plus strand). Cytogenetic location: 2q23.3.
Variant type: single nucleotide variant.
Coding change: c.24115-2A>G on transcript NM_001164508.2 (MANE Select); the canonical splice acceptor site of the intron before coding-DNA position 24115, A replaced by G.
Molecular consequence: splice acceptor variant. On other transcripts: intron variant (1).
Genome position (GRCh38, 1-based): chr2:151,498,354, T>C on the plus strand (A>G on the coding strand, the complement: NEB is on the minus strand). VCF-style: chr2-151498354-T-C. GRCh37 (hg19) VCF-style: chr2-152354868-T-C.
Other names: c.18826-1986A>G (NM_004543.5); c.24115-2A>G (NM_001164507.2); c.24220-2A>G (NM_001271208.2).
Identifiers: ClinVar variation 1067706 (VCV001067706.7), dbSNP rs2152992966, ClinGen allele CA348779343.